The following is an entry in ClinVar:

ClinVar aggregate classification (germline): Uncertain significance (1 of 4 stars; one submission).

Conditions:
Hereditary cancer-predisposing syndrome. Also called: Neoplastic Syndromes, Hereditary; Tumor predisposition; Hereditary neoplastic syndrome; Hereditary Cancer Syndrome. Identifiers: Orphanet 140162, MedGen C0027672, MeSH D009386, MONDO:0015356.

Submission:

Ambry Genetics
Classification: Uncertain significance for Hereditary cancer-predisposing syndrome. Last evaluated: 2025-06-21. Review status: criteria provided, single submitter. Criteria: Ambry Variant Classification Scheme 2023. Collection method: clinical testing. Allele origin: germline.
Comment: The p.W3052G variant (also known as c.9154T>G), located in coding exon 62 of the ATM gene, results from a T to G substitution at nucleotide position 9154. The tryptophan at codon 3052 is replaced by glycine, an amino acid with highly dissimilar properties. This amino acid position is conserved. In addition, this alteration is predicted to be deleterious by in silico analysis. Based on the available evidence, the clinical significance of this variant remains unclear.

NM_000051.4(ATM):c.9154T>G (p.Trp3052Gly)

Genes: ATM (ATM serine/threonine kinase; plus strand), C11orf65 (chromosome 11 open reading frame 65; minus strand). Cytogenetic location: 11q22.3.
Variant type: single nucleotide variant.
Coding change: c.9154T>G on transcript NM_000051.4 (MANE Select); coding-DNA position 9154, T replaced by G.
Protein change: p.Trp3052Gly; replaces tryptophan 3052 with glycine.
Molecular consequence: missense variant. On other transcripts: intron variant (2).
Genome position (GRCh38, 1-based): chr11:108,365,491, T>G. VCF-style: chr11-108365491-T-G. GRCh37 (hg19) VCF-style: chr11-108236218-T-G.
Other names: c.9154T>G, p.Trp3052Gly (NM_001351834.2); c.640+20429A>C (NM_001330368.2); c.694+20429A>C (NM_001351110.2); short protein forms W3052G.
Identifiers: ClinVar variation 4168810 (VCV004168810.1).